The following is an entry in ClinVar:

ClinVar aggregate classification (germline): Likely benign. Review status: criteria provided, single submitter (1 of 4 stars). 2 submissions from 2 submitters: Likely benign (1). 1 of the submissions does not count toward it. Last evaluated 2024-03-13.

Conditions:
NR2E3-related disorder. Also called: NR2E3-related condition; NR2E3-related disorders. Identifiers: MedGen CN239387.

Allele frequency attached by ClinVar (database versions not stated): gnomAD 0.00001 and 0.00003; TOPMed 0.00005; ESP Exome Variant Server 0.00008; gnomAD exomes 0.00148; ExAC 0.07143.

Submissions (2):

Labcorp Genetics (formerly Invitae), Labcorp
Classification: Likely benign. Last evaluated: 2024-03-13. Review status: criteria provided, single submitter. Criteria: Invitae Variant Classification Sherloc (09022015). Collection method: clinical testing. Allele origin: germline.

PreventionGenetics, part of Exact Sciences
Classification: Likely benign for NR2E3-related condition. Last evaluated: 2020-09-22. Review status: no assertion criteria provided. Collection method: clinical testing. Allele origin: germline. Not counted in ClinVar's aggregate classification.
Comment: This variant is classified as likely benign based on ACMG/AMP sequence variant interpretation guidelines (Richards et al. 2015 PMID: 25741868, with internal and published modifications).

NM_014249.4(NR2E3):c.942G>A (p.Ala314=)

Gene: NR2E3 (nuclear receptor subfamily 2 group E member 3; plus strand). Cytogenetic location: 15q23.
Variant type: single nucleotide variant.
Coding change: c.942G>A on transcript NM_014249.4 (MANE Select); coding-DNA position 942, G replaced by A.
Protein change: p.Ala314=; no amino-acid change (alanine 314 retained).
Molecular consequence: synonymous variant.
Genome position (GRCh38, 1-based): chr15:71,813,583, G>A. VCF-style: chr15-71813583-G-A. GRCh37 (hg19) VCF-style: chr15-72105923-G-A.
Other names: c.942G>A, p.Ala314= (NM_016346.4); c.942G>A (NM_014249.3).
Identifiers: ClinVar variation 1108716 (VCV001108716.11), dbSNP rs375304296, ClinGen allele CA7640438.